The following is an entry in ClinVar:

NM_001040716.2(PC):c.2550C>T (p.Cys850=)

Gene: PC (pyruvate carboxylase; minus strand). Cytogenetic location: 11q13.2.
Variant type: single nucleotide variant.
Coding change: c.2550C>T on transcript NM_001040716.2 (MANE Select); coding-DNA position 2550, C replaced by T.
Protein change: p.Cys850=; no amino-acid change (cysteine 850 retained).
Molecular consequence: synonymous variant.
Genome position (GRCh38, 1-based): chr11:66,850,388, G>A on the plus strand (C>T on the coding strand, the complement: PC is on the minus strand). VCF-style: chr11-66850388-G-A. GRCh37 (hg19) VCF-style: chr11-66617859-G-A.
Other names: p.C850C:TGC>TGT; c.2550C>T, p.Cys850= (NM_000920.4, NM_022172.3); c.2550C>T (NM_001040716.1).
Identifiers: ClinVar variation 138580 (VCV000138580.42), dbSNP rs61749179, ClinGen allele CA292675.

ClinVar aggregate classification (germline): Conflicting classifications of pathogenicity. Review status: criteria provided, conflicting classifications (1 of 4 stars). 6 submissions from 6 submitters: Uncertain significance (1); Benign (1); Likely benign (4). Last evaluated 2026-02-01.

Conditions:
PC-related disorder. Also called: PC-related condition.
Pyruvate carboxylase deficiency. Also called: Pyruvate Carboxylase Deficiency Disease; PC DEFICIENCY; ATAXIA WITH LACTIC ACIDOSIS II; LEIGH NECROTIZING ENCEPHALOPATHY DUE TO PYRUVATE CARBOXYLASE DEFICIENCY; LEIGH SYNDROME DUE TO PYRUVATE CARBOXYLASE DEFICIENCY. Identifiers: Orphanet 3008, MedGen C0034341, MONDO:0009949, OMIM 266150.

Allele frequency attached by ClinVar (database versions not stated): 1000 Genomes Project 0.00040; 1000 Genomes Project 30x 0.00047; gnomAD 0.00080 and 0.00083; ExAC 0.00087; TOPMed 0.00087; gnomAD exomes 0.00096 and 0.00182; ESP Exome Variant Server 0.00131.
gnomAD v4.1: 2,765 of 1,614,086 alleles (0.17%); highest among the groups gnomAD compares: Non-Finnish European, 0.21%; 7 homozygotes.

Submissions (6):

Labcorp Genetics (formerly Invitae), Labcorp
Classification: Likely benign for Pyruvate carboxylase deficiency. Last evaluated: 2026-02-01. Review status: criteria provided, single submitter. Criteria: Invitae Variant Classification Sherloc (09022015). Collection method: clinical testing. Allele origin: germline.

Blueprint Genetics
Classification: Likely benign. Last evaluated: 2024-11-25. Review status: criteria provided, single submitter. Criteria: ACMG Guidelines, 2015. Collection method: clinical testing. Allele origin: germline.

PreventionGenetics, part of Exact Sciences
Classification: Likely benign for PC-related condition. Last evaluated: 2024-11-18. Review status: criteria provided, single submitter. Criteria: ACMG Guidelines, 2015. Collection method: clinical testing. Allele origin: germline.
Comment: This variant is classified as likely benign based on ACMG/AMP sequence variant interpretation guidelines (Richards et al. 2015 PMID: 25741868, with internal and published modifications).

CeGaT Center for Human Genetics Tuebingen
Classification: Likely benign. Last evaluated: 2023-12-01. Review status: criteria provided, single submitter. Criteria: CeGaT Center For Human Genetics Tuebingen Variant Classification Criteria Version 2. Collection method: clinical testing. Allele origin: germline. Affected: yes. Observed: 2 variant alleles.
Comment: PC: BP4

Illumina Laboratory Services, Illumina
Classification: Uncertain significance for Pyruvate carboxylase deficiency. Last evaluated: 2018-01-13. Review status: criteria provided, single submitter. Criteria: ICSL Variant Classification Criteria 13 December 2019. Collection method: clinical testing. Allele origin: germline.

GeneDx
Classification: Benign. Last evaluated: 2013-04-10. Review status: criteria provided, single submitter. Criteria: GeneDx Variant Classification (06012015). Collection method: clinical testing. Allele origin: germline. Affected: yes.
Comment: This variant is considered likely benign or benign based on one or more of the following criteria: it is a conservative change, it occurs at a poorly conserved position in the protein, it is predicted to be benign by multiple in silico algorithms, and/or has population frequency not consistent with disease.